The following is an entry in ClinVar:

NM_006445.4(PRPF8):c.6505C>T (p.Leu2169Phe)

Gene: PRPF8 (pre-mRNA processing factor 8; minus strand). Cytogenetic location: 17p13.3.
Variant type: single nucleotide variant.
Coding change: c.6505C>T on transcript NM_006445.4 (MANE Select); coding-DNA position 6505, C replaced by T.
Protein change: p.Leu2169Phe; replaces leucine 2169 with phenylalanine.
Molecular consequence: missense variant.
Genome position (GRCh38, 1-based): chr17:1,651,653, G>A on the plus strand (C>T on the coding strand, the complement: PRPF8 is on the minus strand). VCF-style: chr17-1651653-G-A. GRCh37 (hg19) VCF-style: chr17-1554947-G-A.
Other names: short protein forms L2169F.
Identifiers: ClinVar variation 2599322 (VCV002599322.2), dbSNP rs2543712562, ClinGen allele CA397564788.

ClinVar aggregate classification (germline): Uncertain significance (1 of 4 stars; one submission).

Conditions:
Inborn genetic diseases. Identifiers: MedGen C0950123, MeSH D030342.

Submission:

Ambry Genetics
Classification: Uncertain significance for Inborn genetic diseases. Last evaluated: 2023-09-13. Review status: criteria provided, single submitter. Criteria: Ambry Variant Classification Scheme 2023. Collection method: clinical testing. Allele origin: germline.
Comment: The c.6505C>T (p.L2169F) alteration is located in exon 40 (coding exon 39) of the PRPF8 gene. This alteration results from a C to T substitution at nucleotide position 6505, causing the leucine (L) at amino acid position 2169 to be replaced by a phenylalanine (F). This variant was not reported in population-based cohorts in the Genome Aggregation Database (gnomAD). This amino acid position is highly conserved in available vertebrate species. This missense alteration is located in a region that has a low rate of benign missense variation (Lek, 2016; Firth, 2009). The in silico prediction for this alteration is inconclusive. Based on insufficient or conflicting evidence, the clinical significance of this alteration remains unclear.